The following is an entry in ClinVar:

NM_022114.4(PRDM16):c.2168C>T (p.Ser723Leu)

Gene: PRDM16 (PR/SET domain 16; plus strand). Cytogenetic location: 1p36.32.
Variant type: single nucleotide variant.
Coding change: c.2168C>T on transcript NM_022114.4 (MANE Select); coding-DNA position 2168, C replaced by T.
Protein change: p.Ser723Leu; replaces serine 723 with leucine.
Molecular consequence: missense variant.
Genome position (GRCh38, 1-based): chr1:3,412,365, C>T. VCF-style: chr1-3412365-C-T. GRCh37 (hg19) VCF-style: chr1-3328929-C-T.
Other names: c.2168C>T, p.Ser723Leu (NM_199454.3); short protein forms S723L.
Identifiers: ClinVar variation 1474011 (VCV001474011.8), dbSNP rs769438373, ClinGen allele CA544403.

ClinVar aggregate classification (germline): Uncertain significance (1 of 4 stars; one submission).

Conditions:
Left ventricular noncompaction 8 (LVNC8). Identifiers: Orphanet 154, Orphanet 54260, MedGen C3809288, MONDO:0014152, OMIM 615373.

Allele frequency attached by ClinVar (database versions not stated): gnomAD exomes below 0.00001; ExAC 0.00001.
gnomAD v4.1: 2 of 1,613,570 alleles (0.00012%); highest among the groups gnomAD compares: Admixed American, 0.0017%; no homozygotes.

Submission:

Labcorp Genetics (formerly Invitae), Labcorp
Classification: Uncertain significance for Left ventricular noncompaction 8. Last evaluated: 2021-06-24. Review status: criteria provided, single submitter. Criteria: Invitae Variant Classification Sherloc (09022015). Collection method: clinical testing. Allele origin: germline.
Comment: In summary, the available evidence is currently insufficient to determine the role of this variant in disease. Therefore, it has been classified as a Variant of Uncertain Significance. Algorithms developed to predict the effect of missense changes on protein structure and function (SIFT, PolyPhen-2, Align-GVGD) all suggest that this variant is likely to be disruptive, but these predictions have not been confirmed by published functional studies and their clinical significance is uncertain. This variant has not been reported in the literature in individuals with PRDM16-related conditions. This variant is present in population databases (rs769438373, ExAC 0.009%). This sequence change replaces serine with leucine at codon 723 of the PRDM16 protein (p.Ser723Leu). The serine residue is highly conserved and there is a large physicochemical difference between serine and leucine.